The following is an entry in ClinVar:

NM_001110556.2(FLNA):c.7564_7566del (p.Val2522del)

Genes: FLNA (filamin A; minus strand), LOC107988032 (Xq28 proximal FLNA-EMD recombination region; plus strand). Cytogenetic location: Xq28.
Variant type: Deletion.
Coding change: c.7564_7566del on transcript NM_001110556.2 (MANE Select); coding-DNA positions 7564 to 7566, 3 bases deleted (GTC; older notation c.7564_7566delGTC).
Protein change: p.Val2522del; deletes valine 2522.
Molecular consequence: inframe deletion.
Genome position (GRCh38, 1-based): chrX:154,349,552-154,349,554, GAC deleted on the plus strand (GTC on the coding strand, the reverse complement: FLNA is on the minus strand); deleting any 3 consecutive bases within chrX:154,349,552-154,349,556 gives the same sequence; the c. name uses the placement nearest the transcript's 3' end. VCF-style (leftmost placement, unchanged base first): chrX-154349551-TGAC-T. GRCh37 (hg19) VCF-style: chrX-153577919-TGAC-T.
Other names: c.7540_7542del, p.Val2514del (NM_001456.4); short protein forms V2522del, V2514del.
Identifiers: ClinVar variation 2951804 (VCV002951804.3), dbSNP rs2522713270, ClinGen allele CA2740090155.

ClinVar aggregate classification (germline): Uncertain significance (1 of 4 stars; one submission).

Conditions:
Heterotopia, periventricular, X-linked dominant (PVNH1). Also called: PERIVENTRICULAR NODULAR HETEROTOPIA 1; X-linked periventricular heterotopia; PERIVENTRICULAR NODULAR HETEROTOPIA 4; HETEROTOPIA, PERIVENTRICULAR, 1. Identifiers: Orphanet 2149, Orphanet 82004, MedGen C1848213, MONDO:0010233, OMIM 300049.
Melnick-Needles syndrome (MNS). Also called: Melnick-Needles Syndrome (FLNA-MNS); MELNICK-NEEDLES OSTEODYSPLASTY; OSTEODYSPLASTY OF MELNICK AND NEEDLES. Identifiers: Orphanet 2484, MedGen C0025237, MONDO:0010650, OMIM 309350.
Frontometaphyseal dysplasia (FMD1). Identifiers: Orphanet 1826, MedGen C0265293, MONDO:0015942.
Oto-palato-digital syndrome, type II (OPD2). Also called: Otopalatodigital Syndrome Type 2 (FLNA-OPD2); FACIOPALATOOSSEOUS SYNDROME; OPD II SYNDROME; Otopalatodigital Syndrome, Type II. Identifiers: Orphanet 669, Orphanet 90652, MedGen C1844696, MONDO:0010571, OMIM 304120.

Submission:

Labcorp Genetics (formerly Invitae), Labcorp
Classification: Uncertain significance for Oto-palato-digital syndrome, type II; Heterotopia, periventricular, X-linked dominant; Frontometaphyseal dysplasia; Melnick-Needles syndrome. Last evaluated: 2023-09-10. Review status: criteria provided, single submitter. Criteria: Invitae Variant Classification Sherloc (09022015). Collection method: clinical testing. Allele origin: germline.
Comment: This variant, c.7540_7542del, results in the deletion of 1 amino acid(s) of the FLNA protein (p.Val2514del), but otherwise preserves the integrity of the reading frame. In summary, the available evidence is currently insufficient to determine the role of this variant in disease. Therefore, it has been classified as a Variant of Uncertain Significance. Experimental studies and prediction algorithms are not available or were not evaluated, and the functional significance of this variant is currently unknown. This variant has not been reported in the literature in individuals affected with FLNA-related conditions. This variant is not present in population databases (gnomAD no frequency).